The following is an entry in ClinVar:

NM_003334.4(UBA1):c.2587G>A (p.Val863Met)

Gene: UBA1 (ubiquitin like modifier activating enzyme 1; plus strand). Cytogenetic location: Xp11.3.
Variant type: single nucleotide variant.
Coding change: c.2587G>A on transcript NM_003334.4 (MANE Select); coding-DNA position 2587, G replaced by A.
Protein change: p.Val863Met; replaces valine 863 with methionine.
Molecular consequence: missense variant.
Genome position (GRCh38, 1-based): chrX:47,212,804, G>A. VCF-style: chrX-47212804-G-A. GRCh37 (hg19) VCF-style: chrX-47072203-G-A.
Other names: c.2629G>A, p.Val877Met (NM_001440807.1); c.2605G>A, p.Val869Met (NM_001440809.1, NM_001440810.1); c.2587G>A, p.Val863Met (NM_001440811.1, NM_001440812.1, NM_153280.3); short protein forms V863M, V869M, V877M.
Identifiers: ClinVar variation 4634015 (VCV004634015.1).

ClinVar aggregate classification (germline): Uncertain significance (1 of 4 stars; one submission).

Conditions:
Inborn genetic diseases. Identifiers: MedGen C0950123, MeSH D030342.

gnomAD v4.1: 1 of 1,211,319 alleles (0.000083%); highest among the groups gnomAD compares: Non-Finnish European, 0.00011%; no homozygotes.

Submission:

Ambry Genetics
Classification: Uncertain significance for Inborn genetic diseases. Last evaluated: 2025-12-09. Review status: criteria provided, single submitter. Criteria: Ambry Variant Classification Scheme 2023. Collection method: clinical testing. Allele origin: germline.
Comment: The c.2587G>A (p.V863M) alteration is located in exon 22 (coding exon 21) of the UBA1 gene. This alteration results from a G to A substitution at nucleotide position 2587, causing the valine (V) at amino acid position 863 to be replaced by a methionine (M). Based on data from gnomAD, the A allele has an overall frequency of <0.001% (1/182686) total alleles studied. The highest observed frequency was 0.005% (1/18956) of South Asian alleles. Based on insufficient or conflicting evidence, the clinical significance of this alteration remains unclear.